The following is an entry in ClinVar:

ClinVar aggregate classification (germline): Uncertain significance. Review status: criteria provided, multiple submitters, no conflicts (2 of 4 stars). 2 submissions from 2 submitters: Uncertain significance (2). Last evaluated 2023-06-05.

Conditions:
Hereditary cancer-predisposing syndrome. Also called: Neoplastic Syndromes, Hereditary; Tumor predisposition; Hereditary neoplastic syndrome; Hereditary Cancer Syndrome. Identifiers: Orphanet 140162, MedGen C0027672, MeSH D009386, MONDO:0015356.
Hereditary diffuse gastric adenocarcinoma (HDGC). Also called: DIFFUSE GASTRIC AND LOBULAR BREAST CANCER SYNDROME. Identifiers: Orphanet 26106, MedGen C1708349, MONDO:0007648, OMIM 137215.

Submissions (2):

Labcorp Genetics (formerly Invitae), Labcorp
Classification: Uncertain significance for Hereditary diffuse gastric adenocarcinoma. Last evaluated: 2023-06-05. Review status: criteria provided, single submitter. Criteria: Invitae Variant Classification Sherloc (09022015). Collection method: clinical testing. Allele origin: germline.
Comment: This variant has not been reported in the literature in individuals affected with CDH1-related conditions. ClinVar contains an entry for this variant (Variation ID: 1795287). An algorithm developed to predict the effect of missense changes on protein structure and function (PolyPhen-2) suggests that this variant is likely to be disruptive. In summary, the available evidence is currently insufficient to determine the role of this variant in disease. Therefore, it has been classified as a Variant of Uncertain Significance. This sequence change replaces phenylalanine, which is neutral and non-polar, with cysteine, which is neutral and slightly polar, at codon 91 of the CDH1 protein (p.Phe91Cys). This variant is not present in population databases (gnomAD no frequency).

Ambry Genetics
Classification: Uncertain significance for Hereditary cancer-predisposing syndrome. Last evaluated: 2016-01-05. Review status: criteria provided, single submitter. Criteria: Ambry Variant Classification Scheme 2023. Collection method: clinical testing. Allele origin: germline.
Comment: The p.F91C variant (also known as c.272T>G), located in coding exon 3 of the CDH1 gene, results from a T to G substitution at nucleotide position 272. The phenylalanine at codon 91 is replaced by cysteine, an amino acid with highly dissimilar properties. This variant was not reported in population based cohorts in the following databases: Database of Single Nucleotide Polymorphisms (dbSNP), NHLBI Exome Sequencing Project (ESP), and 1000 Genomes Project. In the ESP, this variant was not observed in 6498 samples (12996 alleles) with coverage at this position. To date, this alteration has been detected with an allele frequency of approximately 0.001% (greater than 175000 alleles tested) in our clinical cohort. Based on protein sequence alignment, this amino acid position is poorly conserved in available vertebrate species. In addition, this alteration is predicted to be tolerated by in silico analysis. Since supporting evidence is limited at this time, the clinical significance of p.F91C remains unclear.

NM_004360.5(CDH1):c.272T>G (p.Phe91Cys)

Gene: CDH1 (cadherin 1; plus strand). Cytogenetic location: 16q22.1.
Variant type: single nucleotide variant.
Coding change: c.272T>G on transcript NM_004360.5 (MANE Select); coding-DNA position 272, T replaced by G.
Protein change: p.Phe91Cys; replaces phenylalanine 91 with cysteine.
Molecular consequence: missense variant. On other transcripts: 5 prime UTR variant (2).
Genome position (GRCh38, 1-based): chr16:68,801,778, T>G. VCF-style: chr16-68801778-T-G. GRCh37 (hg19) VCF-style: chr16-68835681-T-G.
Other names: c.272T>G, p.Phe91Cys (NM_001317184.2); c.-1344T>G (NM_001317185.2); c.-1548T>G (NM_001317186.2); short protein forms F91C.
Identifiers: ClinVar variation 1795287 (VCV001795287.5), dbSNP rs2152126820, ClinGen allele CA396457280.